The following is an entry in ClinVar:

ClinVar aggregate classification (germline): Conflicting classifications of pathogenicity. Review status: criteria provided, conflicting classifications (1 of 4 stars). 9 submissions from 9 submitters: Uncertain significance (7); Likely benign (2). Last evaluated 2026-05-05.

Conditions:
TTN-related disorder. Also called: TTN-related condition; TTN-related disease; TTN-related disorders.
Cardiovascular phenotype. Identifiers: MedGen CN230736.
Autosomal recessive limb-girdle muscular dystrophy type 2J (LGMDR10). Also called: Limb-girdle muscular dystrophy, type 2J; MUSCULAR DYSTROPHY, LIMB-GIRDLE, AUTOSOMAL RECESSIVE 10. Identifiers: Orphanet 140922, MedGen C1837342, MONDO:0012127, OMIM 608807.
Dilated cardiomyopathy 1G (CMD1G). Identifiers: Orphanet 154, MedGen C1858763, MONDO:0011400, OMIM 604145.

Allele frequency attached by ClinVar (database versions not stated): gnomAD 0.00009; TOPMed 0.00011; gnomAD exomes 0.00015 and 0.00017; ESP Exome Variant Server 0.00017; ExAC 0.00018.
gnomAD v4.1: 259 of 1,612,316 alleles (0.016%); highest among the groups gnomAD compares: Non-Finnish European, 0.02%; no homozygotes.

Submissions (9):

PreventionGenetics, part of Exact Sciences
Classification: Uncertain significance for TTN-related condition. Last evaluated: 2026-05-05. Review status: criteria provided, single submitter. Criteria: ACMG Guidelines, 2015. Collection method: clinical testing. Allele origin: germline.
Comment: The TTN c.53780T>C variant is predicted to result in the amino acid substitution p.Leu17927Pro. This variant has been reported in an individual with right ventricular cardiomyopathy and sudden death (patient #MA04004 in Tables S3B and S4B, Salfati et al. 2019. PubMed ID: 31847883). This variant is reported in 0.023% of alleles in individuals of European (Non-Finnish) descent in gnomAD. Although we suspect that this variant may be benign, at this time, the clinical significance of this variant is uncertain due to the absence of conclusive functional and genetic evidence.

Molecular Diagnostic Laboratory for Inherited Cardiovascular Disease, Montreal Heart Institute
Classification: Likely benign. Last evaluated: 2025-04-09. Review status: criteria provided, single submitter. Criteria: ACMG Guidelines, 2015. Collection method: clinical testing. Allele origin: germline. Affected: no.

Women's Health and Genetics/Laboratory Corporation of America, LabCorp
Classification: Uncertain significance. Last evaluated: 2025-03-24. Review status: criteria provided, single submitter. Criteria: LabCorp Variant Classification Summary - May 2015. Collection method: clinical testing. Allele origin: germline.
Comment: Variant summary: TTN c.46076T>C (p.Leu15359Pro) results in a non-conservative amino acid change in the encoded protein sequence. Four of four in-silico tools predict a damaging effect of the variant on protein function. The variant allele was found at a frequency of 0.00015 in 248156 control chromosomes. This frequency is not significantly higher than estimated for a pathogenic variant in TTN causing Dilated Cardiomyopathy (0.00015 vs 0.00039), allowing no conclusion about variant significance. c.46076T>C has been reported in the literature in a case of early unexplained sudden death of an individual who was found to have Right Ventricular Cardiomyopathy upon autopsy, however, multiple variants in cardiac-related genes were reported and segregation data was not available (Salfati_2019). This report does not provide unequivocal conclusions about association of the variant with Dilated Cardiomyopathy. To our knowledge, no experimental evidence demonstrating an impact on protein function has been reported. The following publication has been ascertained in the context of this evaluation (PMID: 31847883). ClinVar contains an entry for this variant (Variation ID: 202710). Based on the evidence outlined above, the variant was classified as uncertain significance.

CeGaT Center for Human Genetics Tuebingen
Classification: Uncertain significance. Last evaluated: 2024-11-01. Review status: criteria provided, single submitter. Criteria: CeGaT Center For Human Genetics Tuebingen Variant Classification Criteria Version 2. Collection method: clinical testing. Allele origin: germline. Affected: yes. Observed: 2 variant alleles.
Comment: TTN: PM2

Revvity Omics, Revvity
Classification: Uncertain significance. Last evaluated: 2021-02-11. Review status: criteria provided, single submitter. Criteria: ACMG Guidelines, 2015. Collection method: clinical testing. Allele origin: germline.

Ambry Genetics
Classification: Uncertain significance for Cardiovascular phenotype. Last evaluated: 2020-01-02. Review status: criteria provided, single submitter. Criteria: Ambry Variant Classification Scheme 2023. Collection method: clinical testing. Allele origin: germline.
Comment: The p.L8862P variant (also known as c.26585T>C), located in coding exon 106 of the TTN gene, results from a T to C substitution at nucleotide position 26585. The leucine at codon 8862 is replaced by proline, an amino acid with similar properties. This amino acid position is highly conserved in available vertebrate species. In addition, this alteration is predicted to be deleterious by in silico analysis. Since supporting evidence is limited at this time, the clinical significance of this alteration remains unclear.

GeneDx
Classification: Likely benign. Last evaluated: 2018-02-08. Review status: criteria provided, single submitter. Criteria: GeneDx Variant Classification (06012015). Collection method: clinical testing. Allele origin: germline. Affected: yes.
Comment: This variant is considered likely benign or benign based on one or more of the following criteria: it is a conservative change, it occurs at a poorly conserved position in the protein, it is predicted to be benign by multiple in silico algorithms, and/or has population frequency not consistent with disease.

Labcorp Genetics (formerly Invitae), Labcorp
Classification: Uncertain significance for Dilated cardiomyopathy 1G; Autosomal recessive limb-girdle muscular dystrophy type 2J. Last evaluated: 2017-11-27. Review status: criteria provided, single submitter. Criteria: Invitae Variant Classification Sherloc (09022015). Collection method: clinical testing. Allele origin: germline.

Eurofins Ntd Llc (ga)
Classification: Uncertain significance. Last evaluated: 2017-02-08. Review status: criteria provided, single submitter. Criteria: EGL Classification Definitions 2015. Collection method: clinical testing. Allele origin: germline. Observed: 2 variant alleles, 2 heterozygotes.

Literature cited by the submitters: PubMed 31847883 (cited by Women's Health and Genetics/Laboratory Corporation of America, LabCorp).

NM_001267550.2(TTN):c.53780T>C (p.Leu17927Pro)

Genes: TTN (titin; minus strand), TTN-AS1 (TTN antisense RNA 1; plus strand). Cytogenetic location: 2q31.2.
Variant type: single nucleotide variant.
Coding change: c.53780T>C on transcript NM_001267550.2 (MANE Select); coding-DNA position 53780, T replaced by C.
Protein change: p.Leu17927Pro; replaces leucine 17927 with proline.
Molecular consequence: missense variant.
Genome position (GRCh38, 1-based): chr2:178,605,515, A>G on the plus strand (T>C on the coding strand, the complement: TTN is on the minus strand). VCF-style: chr2-178605515-A-G. GRCh37 (hg19) VCF-style: chr2-179470242-A-G.
Other names: p.L16286P:CTT>CCT; c.48857T>C, p.Leu16286Pro (NM_001256850.1); c.26585T>C, p.Leu8862Pro (NM_003319.4); c.46076T>C, p.Leu15359Pro (NM_133378.4); c.26960T>C, p.Leu8987Pro (NM_133432.3); c.27161T>C, p.Leu9054Pro (NM_133437.4); short protein forms L16286P, L17927P, L15359P, L9054P, L8987P, L8862P.
Identifiers: ClinVar variation 202710 (VCV000202710.50), dbSNP rs369678018, ClinGen allele CA310052.